The following is an entry in ClinVar:

ClinVar aggregate classification (germline): Pathogenic (1 of 4 stars; one submission).

Conditions:
Joubert syndrome and related disorders. Identifiers: Orphanet 140874, MedGen C5679612, MONDO:0015369.

gnomAD v4.1: 7 of 1,613,634 alleles (0.00043%); highest among the groups gnomAD compares: Non-Finnish European, 0.00017%; no homozygotes.

Submission:

Women's Health and Genetics/Laboratory Corporation of America, LabCorp
Classification: Pathogenic for Joubert syndrome and related disorders. Last evaluated: 2024-10-14. Review status: criteria provided, single submitter. Criteria: LabCorp Variant Classification Summary - May 2015. Collection method: clinical testing. Allele origin: germline.
Comment: Variant summary: CPLANE1 c.7861C>T (p.Gln2621X) results in a premature termination codon, predicted to cause a truncation of the encoded protein or absence of the protein due to nonsense mediated decay, which are commonly known mechanisms for disease. The variant allele was found at a frequency of 4.3e-06 in 1613634 control chromosomes (gnomAD database v4). To our knowledge, no occurrence of c.7861C>T in individuals affected with Joubert Syndrome And Related Disorders and no experimental evidence demonstrating its impact on protein function have been reported. No submitters have cited clinical-significance assessments for this variant to ClinVar. Based on the evidence outlined above, the variant was classified as pathogenic.

NM_001384732.1(CPLANE1):c.7915C>T (p.Gln2639Ter)

Gene: CPLANE1 (ciliogenesis and planar polarity effector complex subunit 1; minus strand). Cytogenetic location: 5p13.2.
Variant type: single nucleotide variant.
Coding change: c.7915C>T on transcript NM_001384732.1 (MANE Select); coding-DNA position 7915, C replaced by T.
Protein change: p.Gln2639Ter; replaces glutamine 2639 with a stop codon.
Molecular consequence: nonsense.
Genome position (GRCh38, 1-based): chr5:37,157,766, G>A on the plus strand (C>T on the coding strand, the complement: CPLANE1 is on the minus strand). VCF-style: chr5-37157766-G-A. GRCh37 (hg19) VCF-style: chr5-37157868-G-A.
Other names: c.7861C>T, p.Gln2621Ter (NM_023073.4); short protein forms Q2621*, Q2639*.
Identifiers: ClinVar variation 3384718 (VCV003384718.1).